The following is an entry in ClinVar:

NM_005996.4(TBX3):c.658-291T>G

Gene: TBX3 (T-box transcription factor 3; minus strand). Cytogenetic location: 12q24.21.
Variant type: single nucleotide variant.
Coding change: c.658-291T>G on transcript NM_005996.4 (MANE Select); 291 bases into the intron before coding-DNA position 658, T replaced by G.
Molecular consequence: intron variant. On other transcripts: missense variant (1).
Genome position (GRCh38, 1-based): chr12:114,679,942, A>C on the plus strand (T>G on the coding strand, the complement: TBX3 is on the minus strand). VCF-style: chr12-114679942-A-C. GRCh37 (hg19) VCF-style: chr12-115117747-A-C.
Other names: c.688T>G, p.Trp230Gly (NM_016569.4); short protein forms W230G.
Identifiers: ClinVar variation 3349637 (VCV003349637.1).

ClinVar aggregate classification (germline): Uncertain significance (0 of 4 stars; one submission).

Conditions:
TBX3-related disorder. Also called: TBX3-related condition.

Submission:

PreventionGenetics, part of Exact Sciences
Classification: Uncertain significance for TBX3-related condition. Last evaluated: 2024-02-21. Review status: no assertion criteria provided. Collection method: clinical testing. Allele origin: germline.
Comment: The TBX3 c.688T>G variant is predicted to result in the amino acid substitution p.Trp230Gly. To our knowledge, this variant has not been reported in the literature or in a large population database, indicating this variant is rare. At this time, the clinical significance of this variant is uncertain due to the absence of conclusive functional and genetic evidence.